The following is an entry in ClinVar:

ClinVar aggregate classification (germline): Pathogenic. Review status: criteria provided, single submitter (1 of 4 stars). 2 submissions from 2 submitters: Pathogenic (1). 1 of the submissions does not count toward it. Last evaluated 2018-05-03.

Conditions:
Marfan syndrome (MFS). Also called: Marfan syndrome type 1; Marfan syndrome, classic; Marfan's syndrome; FBN1-Related Marfan Syndrome; MARFAN SYNDROME, TYPE I. Identifiers: Orphanet 284963, Orphanet 558, MedGen C0024796, MONDO:0007947, OMIM 154700.
Familial thoracic aortic aneurysm and aortic dissection (TAAD). Also called: Thoracic aortic aneurysms and dissections. Identifiers: Orphanet 91387, MedGen C4707243, MONDO:0019625.

Submissions (2):

Labcorp Genetics (formerly Invitae), Labcorp
Classification: Pathogenic for Marfan syndrome; Familial thoracic aortic aneurysm and aortic dissection. Last evaluated: 2018-05-03. Review status: criteria provided, single submitter. Criteria: Invitae Variant Classification Sherloc (09022015). Collection method: clinical testing. Allele origin: germline.
Comment: Algorithms developed to predict the effect of missense changes on protein structure and function (SIFT, PolyPhen-2, Align-GVGD) all suggest that this variant is likely to be disruptive, but these predictions have not been confirmed by published functional studies and their clinical significance is uncertain. This variant affects a cysteine residue located within an epidermal-growth-factor (EGF)–like domain of the FBN1 protein. Cysteine residues in these domains have been shown to be involved in the formation of disulfide bridges, which are critical for FBN1 protein structure and stability (PMID: 10486319, 3495735, 4750422, 16677079). In addition, missense substitutions within the FBN1 EGF-like domains affecting cysteine residues are significantly overrepresented among patients with Marfan syndrome (PMID: 16571647, 17701892). For these reasons, this variant has been classified as Pathogenic. A different variant (c.5504G>C) giving rise to the same protein effect observed here (p.Cys1835Ser) has been reported in individuals affected with FBN1-related disease (PMID: 27906200, Invitae), indicating that this residue may be critical for protein function. This variant has not been reported in the literature in individuals with FBN1-related disease. This variant is not present in population databases (ExAC no frequency). This sequence change replaces cysteine with serine at codon 1835 of the FBN1 protein (p.Cys1835Ser). The cysteine residue is highly conserved and there is a moderate physicochemical difference between cysteine and serine.

Center for Medical Genetics Ghent, University of Ghent
Classification: Pathogenic for Marfan syndrome. Last evaluated: 2017-11-07. Review status: no assertion criteria provided. Collection method: clinical testing. Allele origin: de novo. Affected: yes. Not counted in ClinVar's aggregate classification.

Literature cited by the submitters: PubMed 10486319 (cited by Labcorp Genetics (formerly Invitae), Labcorp); PubMed 3495735 (cited by Labcorp Genetics (formerly Invitae), Labcorp); PubMed 4750422 (cited by Labcorp Genetics (formerly Invitae), Labcorp); PubMed 16677079 (cited by Labcorp Genetics (formerly Invitae), Labcorp); PubMed 16571647 (cited by Labcorp Genetics (formerly Invitae), Labcorp); PubMed 17701892 (cited by Labcorp Genetics (formerly Invitae), Labcorp); PubMed 27906200 (cited by Labcorp Genetics (formerly Invitae), Labcorp).

NM_000138.5(FBN1):c.5503T>A (p.Cys1835Ser)

Gene: FBN1 (fibrillin 1; minus strand). Cytogenetic location: 15q21.1.
Variant type: single nucleotide variant.
Coding change: c.5503T>A on transcript NM_000138.5 (MANE Select); coding-DNA position 5503, T replaced by A.
Protein change: p.Cys1835Ser; replaces cysteine 1835 with serine.
Molecular consequence: missense variant.
Genome position (GRCh38, 1-based): chr15:48,452,604, A>T on the plus strand (T>A on the coding strand, the complement: FBN1 is on the minus strand). VCF-style: chr15-48452604-A-T. GRCh37 (hg19) VCF-style: chr15-48744801-A-T.
Other names: short protein forms C1835S.
Identifiers: ClinVar variation 549282 (VCV000549282.8), dbSNP rs1555396198, ClinGen allele CA392344113.